The following is an entry in ClinVar:

NM_006206.6(PDGFRA):c.2760C>T (p.His920=)

Gene: PDGFRA (platelet derived growth factor receptor alpha; plus strand). Cytogenetic location: 4q12.
Variant type: single nucleotide variant.
Coding change: c.2760C>T on transcript NM_006206.6 (MANE Select); coding-DNA position 2760, C replaced by T.
Protein change: p.His920=; no amino-acid change (histidine 920 retained).
Molecular consequence: synonymous variant.
Genome position (GRCh38, 1-based): chr4:54,288,884, C>T. VCF-style: chr4-54288884-C-T. GRCh37 (hg19) VCF-style: chr4-55155051-C-T.
Other names: c.2835C>T, p.His945= (NM_001347828.2); c.2760C>T, p.His920= (NM_001347829.2); c.2799C>T, p.His933= (NM_001347830.2); c.2760C>T (NM_006206.5).
Identifiers: ClinVar variation 459068 (VCV000459068.21), dbSNP rs368291181, ClinGen allele CA2922930.

ClinVar aggregate classification (germline): Benign/Likely benign. Review status: criteria provided, multiple submitters, no conflicts (2 of 4 stars). 6 submissions from 6 submitters: Benign (1); Likely benign (4). 1 of the submissions does not count toward it. Last evaluated 2026-06-17.

Conditions:
PDGFRA-related disorder. Also called: PDGFRA-related condition.
Polyps, multiple and recurrent inflammatory fibroid, gastrointestinal. Identifiers: MedGen C5193005, MONDO:0008285, OMIM 175510.
Hereditary cancer-predisposing syndrome. Also called: Neoplastic Syndromes, Hereditary; Hereditary Cancer Syndrome; Hereditary neoplastic syndrome; Tumor predisposition. Identifiers: Orphanet 140162, MedGen C0027672, MeSH D009386, MONDO:0015356.
Gastrointestinal stromal tumor. Also called: Gastrointestinal stromal tumor, somatic; Gastrointestinal stroma tumor. Identifiers: Orphanet 44890, MedGen C0238198, MeSH D046152, MONDO:0011719, OMIM 606764, HP:0100723.

Allele frequency attached by ClinVar (database versions not stated): TOPMed 0.00006; ExAC 0.00007; gnomAD 0.00007; ESP Exome Variant Server 0.00008; gnomAD exomes 0.00010 and 0.00013.

Submissions (6):

Myriad Genetics, Inc.
Classification: Benign for Polyps, multiple and recurrent inflammatory fibroid, gastrointestinal. Last evaluated: 2026-06-17. Review status: criteria provided, single submitter. Criteria: Myriad Autosomal Dominant, Autosomal Recessive and X-Linked Classification Criteria (2023). Collection method: clinical testing. Allele origin: unknown.
Comment: This variant is considered benign. This variant is a silent/synonymous amino acid change and it is not expected to impact splicing.

Labcorp Genetics (formerly Invitae), Labcorp
Classification: Likely benign for Gastrointestinal stromal tumor. Last evaluated: 2026-01-21. Review status: criteria provided, single submitter. Criteria: Invitae Variant Classification Sherloc (09022015). Collection method: clinical testing. Allele origin: germline.

Blueprint Genetics
Classification: Likely benign. Last evaluated: 2024-10-03. Review status: criteria provided, single submitter. Criteria: ACMG Guidelines, 2015. Collection method: clinical testing. Allele origin: germline.

Ambry Genetics
Classification: Likely benign for Hereditary cancer-predisposing syndrome. Last evaluated: 2018-12-12. Review status: criteria provided, single submitter. Criteria: Ambry Variant Classification Scheme 2023. Collection method: clinical testing. Allele origin: germline.

Breakthrough Genomics
Classification: Likely benign. Review status: criteria provided, single submitter. Criteria: ACMG Guidelines, 2015. Collection method: not provided. Allele origin: germline. Inheritance: Autosomal dominant inheritance. Affected: yes.

PreventionGenetics, part of Exact Sciences
Classification: Likely benign for PDGFRA-related condition. Last evaluated: 2019-05-23. Review status: no assertion criteria provided. Collection method: clinical testing. Allele origin: germline. Not counted in ClinVar's aggregate classification.
Comment: This variant is classified as likely benign based on ACMG/AMP sequence variant interpretation guidelines (Richards et al. 2015 PMID: 25741868, with internal and published modifications).